The following is an entry in ClinVar:

ClinVar aggregate classification (germline): Uncertain significance. Review status: criteria provided, multiple submitters, no conflicts (2 of 4 stars). 2 submissions from 2 submitters: Uncertain significance (2). Last evaluated 2020-01-28.

Conditions:
Hereditary cancer-predisposing syndrome. Also called: Neoplastic Syndromes, Hereditary; Tumor predisposition; Hereditary Cancer Syndrome; Hereditary neoplastic syndrome. Identifiers: Orphanet 140162, MedGen C0027672, MeSH D009386, MONDO:0015356.
Lynch syndrome 4 (LYNCH4). Also called: Colorectal cancer, hereditary nonpolyposis, type 4; Hereditary non-polyposis colorectal cancer, type 4. Identifiers: Orphanet 144, MedGen C1838333, MONDO:0013699, OMIM 614337. Disease mechanism: loss of function.

Submissions (2):

Department of Pathology and Laboratory Medicine, Sinai Health System
Classification: Uncertain significance for Lynch syndrome 4. Last evaluated: 2020-01-28. Review status: criteria provided, single submitter. Criteria: ACMG Guidelines, 2015. Collection method: clinical testing. Allele origin: germline. Affected: yes.

Ambry Genetics
Classification: Uncertain significance for Hereditary cancer-predisposing syndrome. Last evaluated: 2019-12-24. Review status: criteria provided, single submitter. Criteria: Ambry Variant Classification Scheme 2023. Collection method: clinical testing. Allele origin: germline.
Comment: The p.R649K variant (also known as c.1946G>A), located in coding exon 11 of the PMS2 gene, results from a G to A substitution at nucleotide position 1946. The arginine at codon 649 is replaced by lysine, an amino acid with highly similar properties. This amino acid position is well conserved in available vertebrate species. In addition, the in silico prediction for this alteration is inconclusive. Since supporting evidence is limited at this time, the clinical significance of this alteration remains unclear.

NM_000535.7(PMS2):c.1946G>A (p.Arg649Lys)

Gene: PMS2 (PMS1 homolog 2, mismatch repair system component; minus strand). Cytogenetic location: 7p22.1.
Variant type: single nucleotide variant.
Coding change: c.1946G>A on transcript NM_000535.7 (MANE Select); coding-DNA position 1946, G replaced by A.
Protein change: p.Arg649Lys; replaces arginine 649 with lysine.
Molecular consequence: missense variant. On other transcripts: non-coding transcript variant (1).
Genome position (GRCh38, 1-based): chr7:5,986,819, C>T on the plus strand (G>A on the coding strand, the complement: PMS2 is on the minus strand). VCF-style: chr7-5986819-C-T. GRCh37 (hg19) VCF-style: chr7-6026450-C-T.
Other names: c.1541G>A, p.Arg514Lys (NM_001322003.2, NM_001322004.2, NM_001322005.2 and 1 more transcripts); c.1790G>A, p.Arg597Lys (NM_001322006.2); c.1628G>A, p.Arg543Lys (NM_001322007.2, NM_001322008.2); c.1385G>A, p.Arg462Lys (NM_001322010.2); c.1013G>A, p.Arg338Lys (NM_001322011.2, NM_001322012.2); c.1373G>A, p.Arg458Lys (NM_001322013.2); c.1946G>A, p.Arg649Lys (NM_001322014.2); c.1637G>A, p.Arg546Lys (NM_001322015.2); short protein forms R458K, R649K, R338K, R514K, R597K, R462K, R543K, R546K.
Identifiers: ClinVar variation 820383 (VCV000820383.5), dbSNP rs1583313460, ClinGen allele CA366739119.